The following is an entry in ClinVar:

NM_004260.4(RECQL4):c.665C>T (p.Pro222Leu)

Gene: RECQL4 (RecQ like helicase 4; minus strand). Cytogenetic location: 8q24.3.
Variant type: single nucleotide variant.
Coding change: c.665C>T on transcript NM_004260.4 (MANE Select); coding-DNA position 665, C replaced by T.
Protein change: p.Pro222Leu; replaces proline 222 with leucine.
Molecular consequence: missense variant.
Genome position (GRCh38, 1-based): chr8:144,516,454, G>A on the plus strand (C>T on the coding strand, the complement: RECQL4 is on the minus strand). VCF-style: chr8-144516454-G-A. GRCh37 (hg19) VCF-style: chr8-145741838-G-A.
Other names: short protein forms P222L.
Identifiers: ClinVar variation 566610 (VCV000566610.7), dbSNP rs1452356265, ClinGen allele CA372689817.

ClinVar aggregate classification (germline): Uncertain significance. Review status: criteria provided, multiple submitters, no conflicts (2 of 4 stars). 3 submissions from 3 submitters: Uncertain significance (3). Last evaluated 2025-07-07.

Conditions:
RECQL4-related disorder. Also called: RECQL4-related condition; RECQL4-related disorders.
Inborn genetic diseases. Identifiers: MedGen C0950123, MeSH D030342.
Baller-Gerold syndrome (BGS). Also called: CRANIOSYNOSTOSIS WITH RADIAL DEFECTS. Identifiers: Orphanet 1225, MedGen C0265308, MONDO:0009039, OMIM 218600.

gnomAD v4.1: 4 of 1,608,638 alleles (0.00025%); highest among the groups gnomAD compares: Non-Finnish European, 0.00034%; no homozygotes.

Submissions (3):

Ambry Genetics
Classification: Uncertain significance for Inborn genetic diseases. Last evaluated: 2025-07-07. Review status: criteria provided, single submitter. Criteria: Ambry Variant Classification Scheme 2023. Collection method: clinical testing. Allele origin: germline.
Comment: The p.P222L variant (also known as c.665C>T), located in coding exon 5 of the RECQL4 gene, results from a C to T substitution at nucleotide position 665. The proline at codon 222 is replaced by leucine, an amino acid with similar properties. This amino acid position is conserved. In addition, this alteration is predicted to be tolerated by in silico analysis. Based on the available evidence, the clinical significance of this variant remains unclear.

Labcorp Genetics (formerly Invitae), Labcorp
Classification: Uncertain significance for Baller-Gerold syndrome. Last evaluated: 2023-12-17. Review status: criteria provided, single submitter. Criteria: Invitae Variant Classification Sherloc (09022015). Collection method: clinical testing. Allele origin: germline.
Comment: This sequence change replaces proline, which is neutral and non-polar, with leucine, which is neutral and non-polar, at codon 222 of the RECQL4 protein (p.Pro222Leu). This variant is not present in population databases (gnomAD no frequency). This variant has not been reported in the literature in individuals affected with RECQL4-related conditions. ClinVar contains an entry for this variant (Variation ID: 566610). Advanced modeling of protein sequence and biophysical properties (such as structural, functional, and spatial information, amino acid conservation, physicochemical variation, residue mobility, and thermodynamic stability) performed at Invitae indicates that this missense variant is not expected to disrupt RECQL4 protein function with a negative predictive value of 80%. In summary, the available evidence is currently insufficient to determine the role of this variant in disease. Therefore, it has been classified as a Variant of Uncertain Significance.

PreventionGenetics, part of Exact Sciences
Classification: Uncertain significance for RECQL4-related condition. Last evaluated: 2023-05-04. Review status: criteria provided, single submitter. Criteria: ACMG Guidelines, 2015. Collection method: clinical testing. Allele origin: germline.
Comment: The RECQL4 c.665C>T variant is predicted to result in the amino acid substitution p.Pro222Leu. To our knowledge, this variant has not been reported in the literature or in a large population database, indicating this variant is rare. At this time, the clinical significance of this variant is uncertain due to the absence of conclusive functional and genetic evidence.